The following is an entry in ClinVar:

ClinVar aggregate classification (germline): Pathogenic (1 of 4 stars; one submission).

Submission:

GeneDx
Classification: Pathogenic. Last evaluated: 2015-03-09. Review status: criteria provided, single submitter. Criteria: GeneDx Variant Classification (06012015). Collection method: clinical testing. Allele origin: germline. Affected: yes.
Comment: Although the c.1031_1032dupGT mutation in the ACVRL1 gene has not been reported to our knowledge, this mutation causes a shift in reading frame starting at codon Cysteine 345, changing it to a Valine, and creating a premature stop codon at position 10 of the new reading frame, denoted p.Cys345ValfsTer10. This mutation is expected to result in either an abnormal, truncated protein product or loss of protein from this allele through nonsense-mediated mRNA decay. Other frameshift mutations in the ACVRL1 gene have been reported in HGMD in association with HHT (Stenson P et al., 2014). Furthermore, the c.1031_1032dupGT mutation was not observed in approximately 6500 individuals of European and African American ancestry in the NHLBI Exome Sequencing Project, indicating it is not a common benign variant in these populations. In summary, c.1031_1032dupGT in the ACVRL1 gene is interpreted as a disease-causing mutation.

NM_000020.3(ACVRL1):c.1031_1032dup (p.Cys345fs)

Gene: ACVRL1 (activin A receptor like type 1; plus strand). Cytogenetic location: 12q13.13.
Variant type: Microsatellite.
Coding change: c.1031_1032dup on transcript NM_000020.3 (MANE Select); coding-DNA positions 1031 to 1032, 2 bases duplicated (GT; older notation c.1031_1032dupGT).
Protein change: p.Cys345fs; shifts the reading frame from cysteine 345.
Molecular consequence: frameshift variant.
Genome position (GRCh38, 1-based): chr12:51,915,483-51,915,484, GT duplicated; duplicating any 2 consecutive bases within chr12:51,915,481-51,915,484 gives the same sequence; the c. name uses the placement nearest the transcript's 3' end. VCF-style (leftmost placement, unchanged base first): chr12-51915480-A-AGT. GRCh37 (hg19) VCF-style: chr12-52309264-A-AGT.
Other names: c.1031_1032dup, p.Cys345fs (NM_001077401.2); c.1031_1032dupGT (NM_000020.2); short protein forms C345fs.
Identifiers: ClinVar variation 212807 (VCV000212807.1), dbSNP rs863223417, ClinGen allele CA323690.
Genomic context (GRCh38, chr12:51,915,480, plus strand): 5'-AACCAGCCATTGCCCACCGCGACTTCAAGAGCCGCAATGTGCTGGTCAAGAGCAACCTGC[A>AGT]GTGTTGCATCGCCGACCTGGGTGAGCCGGGCGGGGCAGGGGCGCGCCCTTCACAGGTGGG-3'